The following is an entry in ClinVar:

NM_021930.6(RINT1):c.515G>A (p.Ser172Asn)

Gene: RINT1 (RAD50 interactor 1; plus strand). Cytogenetic location: 7q22.3.
Variant type: single nucleotide variant.
Coding change: c.515G>A on transcript NM_021930.6 (MANE Select); coding-DNA position 515, G replaced by A.
Protein change: p.Ser172Asn; replaces serine 172 with asparagine.
Molecular consequence: missense variant. On other transcripts: 5 prime UTR variant (3), non-coding transcript variant (1).
Genome position (GRCh38, 1-based): chr7:105,542,649, G>A. VCF-style: chr7-105542649-G-A. GRCh37 (hg19) VCF-style: chr7-105183096-G-A.
Other names: c.281G>A, p.Ser94Asn (NM_001346599.2); c.-505G>A (NM_001346600.2); c.-408G>A (NM_001346601.2); c.-28G>A (NM_001346603.2); short protein forms S172N, S94N.
Identifiers: ClinVar variation 3433581 (VCV003433581.1).

ClinVar aggregate classification (germline): Uncertain significance (1 of 4 stars; one submission).

Submission:

Ambry Genetics
Classification: Uncertain significance. Last evaluated: 2024-07-16. Review status: criteria provided, single submitter. Criteria: Ambry Variant Classification Scheme 2023. Collection method: clinical testing. Allele origin: germline.
Comment: The p.S172N variant (also known as c.515G>A), located in coding exon 4 of the RINT1 gene, results from a G to A substitution at nucleotide position 515. The serine at codon 172 is replaced by asparagine, an amino acid with highly similar properties. However, this change occurs in the last base pair of coding exon 4, which makes it likely to have some effect on normal mRNA splicing. This nucleotide position is highly conserved in available vertebrate species. This amino acid position is highly conserved in available vertebrate species. In silico splice site analysis predicts that this alteration may weaken the native splice donor site. In addition, as a missense substitution this alteration is predicted to be tolerated by in silico analysis. The evidence for this gene-disease relationship is limited; therefore, the clinical significance of this alteration is unclear.